The following is an entry in ClinVar:

ClinVar aggregate classification (germline): Uncertain significance. Review status: criteria provided, multiple submitters, no conflicts (2 of 4 stars). 7 submissions from 7 submitters: Uncertain significance (7). Last evaluated 2025-10-28.

Conditions:
COL4A1 or COL4A2-related cerebral small vessel disease. Identifiers: Orphanet 477759, MedGen C5680103, MONDO:0018788.
Brain small vessel disease 1 with or without ocular anomalies (BSVD1). Also called: PORENCEPHALY, TYPE 1, AUTOSOMAL DOMINANT; BRAIN SMALL VESSEL DISEASE WITH HEMORRHAGE; GOULD SYNDROME 1; Brain small vessel disease with or without ocular anomalies. Identifiers: Orphanet 2940, Orphanet 36383, Orphanet 99810, MedGen C4755307, MONDO:0008289, OMIM 175780.

Allele frequency attached by ClinVar (database versions not stated): gnomAD 0.00001; gnomAD exomes 0.00001 and 0.00002; ExAC 0.00002; TOPMed 0.00002; 1000 Genomes Project 30x 0.00016; 1000 Genomes Project 0.00020.
gnomAD v4.1: 13 of 1,614,002 alleles (0.00081%); highest among the groups gnomAD compares: East Asian, 0.0067%; no homozygotes.

Submissions (7):

Dasa
Classification: Uncertain significance for brain small vessel disease 1 with or without ocular anomalies. Last evaluated: 2025-10-28. Review status: criteria provided, single submitter. Criteria: DASA Assertion Criteria. Collection method: clinical testing. Allele origin: germline.
Comment: NM_001845.6(COL4A1):c.4940C>T (p.Pro1647Leu) is a missense variant that results in the substitution of proline with leucine. This variant is rare in population databases. Computational prediction algorithms are consistent with a deleterious effect. The currently available literature and clinical evidence are not sufficient to establish a definitive association between this variant and the reported condition. Therefore, this variant is classified as a variant of uncertain significance.

GeneDx
Classification: Uncertain significance. Last evaluated: 2025-06-10. Review status: criteria provided, single submitter. Criteria: GeneDx Variant Classification Process June 2021. Collection method: clinical testing. Allele origin: germline. Affected: yes.
Comment: In silico analysis supports that this missense variant has a deleterious effect on protein structure/function; Has not been previously published as pathogenic or benign to our knowledge

Mayo Clinic Laboratories, Mayo Clinic
Classification: Uncertain significance. Last evaluated: 2025-05-05. Review status: criteria provided, single submitter. Criteria: ACMG Guidelines, 2015. Collection method: clinical testing. Allele origin: germline. Observed: 1 variant allele.
Comment: BS1, PP3

Labcorp Genetics (formerly Invitae), Labcorp
Classification: Uncertain significance. Last evaluated: 2025-04-19. Review status: criteria provided, single submitter. Criteria: Invitae Variant Classification Sherloc (09022015). Collection method: clinical testing. Allele origin: germline.
Comment: This sequence change replaces proline, which is neutral and non-polar, with leucine, which is neutral and non-polar, at codon 1647 of the COL4A1 protein (p.Pro1647Leu). This variant is present in population databases (rs201767532, gnomAD 0.006%). This variant has not been reported in the literature in individuals affected with COL4A1-related conditions. ClinVar contains an entry for this variant (Variation ID: 546730). Invitae Evidence Modeling of protein sequence and biophysical properties (such as structural, functional, and spatial information, amino acid conservation, physicochemical variation, residue mobility, and thermodynamic stability) indicates that this missense variant is not expected to disrupt COL4A1 protein function with a negative predictive value of 80%. In summary, the available evidence is currently insufficient to determine the role of this variant in disease. Therefore, it has been classified as a Variant of Uncertain Significance.

Revvity Omics, Revvity
Classification: Uncertain significance. Last evaluated: 2023-03-28. Review status: criteria provided, single submitter. Criteria: ACMG Guidelines, 2015. Collection method: clinical testing. Allele origin: germline.

Victorian Clinical Genetics Services, Murdoch Childrens Research Institute
Classification: Uncertain significance for COL4A1 or COL4A2-related cerebral small vessel disease. Last evaluated: 2020-10-15. Review status: criteria provided, single submitter. Criteria: ACMG Guidelines, 2015. Collection method: clinical testing. Allele origin: germline. Inheritance: Autosomal dominant inheritance. Affected: yes.
Comment: Based on the classification scheme VCGS_Germline_v0.6.1, this variant is classified as 3B-VUS. Following criteria are met: 0102 - Loss of function is a known mechanism of disease for this gene. 0104 - Mechanism of disease for this gene is dominant negative. 0107 - This gene is known to be associated with autosomal dominant disease. 0200 - Variant is predicted to result in a missense amino acid change from proline to leucine (exon 52). 0302 - Variant is present in gnomAD >=0.0002 and <0.001 for dominant indication (4 heterozygotes, 0 homozygotes). 0309 - An alternative amino acid change at the same position has been observed in gnomAD (1 heterozygote, 0 homozygotes). 0501 - Missense variant consistently predicted to be damaging by in-silico tools or highly conserved with a major amino acid change. 0600 - Variant is located in an annotated domain or motif that does not have a well established function (C4 domain; NCBI). 0705 - No comparable variants in relevant codon/region have previous evidence for pathogenicity. 0804 - This variant has been previously reported as a VUS (ClinVar). 0905 - No published segregation evidence has been identified for this variant. 1007 - No published functional evidence has been identified for this variant. 1207 - Parental origin of the variant is unresolved.

CeGaT Center for Human Genetics Tuebingen
Classification: Uncertain significance. Last evaluated: 2017-11-01. Review status: criteria provided, single submitter. Criteria: CeGaT Center For Human Genetics Tuebingen Variant Classification Criteria Version 2. Collection method: clinical testing. Allele origin: germline. Affected: yes. Observed: 1 variant allele.

NM_001845.6(COL4A1):c.4940C>T (p.Pro1647Leu)

Gene: COL4A1 (collagen type IV alpha 1 chain; minus strand). Cytogenetic location: 13q34.
Variant type: single nucleotide variant.
Coding change: c.4940C>T on transcript NM_001845.6 (MANE Select); coding-DNA position 4940, C replaced by T.
Protein change: p.Pro1647Leu; replaces proline 1647 with leucine.
Molecular consequence: missense variant.
Genome position (GRCh38, 1-based): chr13:110,150,433, G>A on the plus strand (C>T on the coding strand, the complement: COL4A1 is on the minus strand). VCF-style: chr13-110150433-G-A. GRCh37 (hg19) VCF-style: chr13-110802780-G-A.
Other names: p.Pro1647Leu; c.4940C>T (NM_001845.4); short protein forms P1647L.
Identifiers: ClinVar variation 546730 (VCV000546730.57), dbSNP rs201767532, ClinGen allele CA7046748.
Genomic context (GRCh38, chr13:110,150,433, plus strand): 5'-CTCATACAGACTTGGCAGCGGCTGACGTGCGTGCGCAGCTCCCCTGCCTTCAAGGTGGAC[G>A]GCGTAGGCTTCCTAAAACACGACACAGAGACAGACCATTGGCCATCATCTCACAGCACGT-3'
Protein context (NP_001836.3, residues 1637-1657): ERSEMFKKPT[Pro1647Leu]STLKAGELRT